The following is an entry in ClinVar:

NM_001371986.1(UNC80):c.7937C>T (p.Pro2646Leu)

Gene: UNC80 (unc-80 subunit of NALCN channel complex; plus strand). Cytogenetic location: 2q34.
Variant type: single nucleotide variant.
Coding change: c.7937C>T on transcript NM_001371986.1 (MANE Select); coding-DNA position 7937, C replaced by T.
Protein change: p.Pro2646Leu; replaces proline 2646 with leucine.
Molecular consequence: missense variant.
Genome position (GRCh38, 1-based): chr2:209,967,568, C>T. VCF-style: chr2-209967568-C-T. GRCh37 (hg19) VCF-style: chr2-210832292-C-T.
Other names: c.7739C>T, p.Pro2580Leu (NM_032504.2); c.7724C>T, p.Pro2575Leu (NM_182587.4); short protein forms P2575L, P2580L, P2646L.
Identifiers: ClinVar variation 1032289 (VCV001032289.6), dbSNP rs1041120386, ClinGen allele CA65045234.

ClinVar aggregate classification (germline): Uncertain significance. Review status: criteria provided, multiple submitters, no conflicts (2 of 4 stars). 5 submissions from 5 submitters: Uncertain significance (4). 1 of the submissions does not count toward it. Last evaluated 2025-08-25.

Conditions:
UNC80-related disorder. Also called: UNC80-related condition.
Hypotonia, infantile, with psychomotor retardation and characteristic facies 2 (IHPRF2). Also called: UNC80 Deficiency. Identifiers: Orphanet 371364, Orphanet 700333, MedGen C4225203, MONDO:0014777, OMIM 616801.
Inborn genetic diseases. Identifiers: MedGen C0950123, MeSH D030342.

Allele frequency attached by ClinVar (database versions not stated): gnomAD exomes 0.00001; gnomAD 0.00003 and 0.00004; TOPMed 0.00003.
gnomAD v4.1: 19 of 1,551,436 alleles (0.0012%); highest among the groups gnomAD compares: African/African-American, 0.0055%; no homozygotes.

Submissions (5):

Ambry Genetics
Classification: Uncertain significance for Inborn genetic diseases. Last evaluated: 2025-08-25. Review status: criteria provided, single submitter. Criteria: Ambry Variant Classification Scheme 2023. Collection method: clinical testing. Allele origin: germline.

Greenwood Genetic Center Diagnostic Laboratories, Greenwood Genetic Center
Classification: Uncertain significance. Last evaluated: 2024-07-17. Review status: criteria provided, single submitter. Criteria: ACMG Guidelines, 2015. Collection method: clinical testing. Allele origin: germline. Affected: yes.
Comment: PM2, PP2

Labcorp Genetics (formerly Invitae), Labcorp
Classification: Uncertain significance. Last evaluated: 2022-03-12. Review status: criteria provided, single submitter. Criteria: Invitae Variant Classification Sherloc (09022015). Collection method: clinical testing. Allele origin: germline.
Comment: This sequence change replaces proline, which is neutral and non-polar, with leucine, which is neutral and non-polar, at codon 2580 of the UNC80 protein (p.Pro2580Leu). The frequency data for this variant in the population databases is considered unreliable, as metrics indicate poor data quality at this position in the gnomAD database. This variant has not been reported in the literature in individuals affected with UNC80-related conditions. ClinVar contains an entry for this variant (Variation ID: 1032289). Algorithms developed to predict the effect of missense changes on protein structure and function are either unavailable or do not agree on the potential impact of this missense change (SIFT: "Not Available"; PolyPhen-2: "Probably Damaging"; Align-GVGD: "Not Available"). In summary, the available evidence is currently insufficient to determine the role of this variant in disease. Therefore, it has been classified as a Variant of Uncertain Significance.

Baylor Genetics
Classification: Uncertain significance for Hypotonia, infantile, with psychomotor retardation and characteristic facies 2. Last evaluated: 2018-05-15. Review status: criteria provided, single submitter. Criteria: ACMG Guidelines, 2015. Collection method: clinical testing. Allele origin: unknown. Affected: yes.
Comment: This variant was determined to be of uncertain significance according to ACMG Guidelines, 2015 [PMID:25741868].

PreventionGenetics, part of Exact Sciences
Classification: Uncertain significance for UNC80-related condition. Last evaluated: 2024-05-17. Review status: no assertion criteria provided. Collection method: clinical testing. Allele origin: germline. Not counted in ClinVar's aggregate classification.
Comment: The UNC80 c.7739C>T variant is predicted to result in the amino acid substitution p.Pro2580Leu. To our knowledge, this variant has not been reported in the literature. This variant is reported in 0.0044% of alleles in individuals of South Asian descent in gnomAD. At this time, the clinical significance of this variant is uncertain due to the absence of conclusive functional and genetic evidence.